The following is an entry in ClinVar:

ClinVar aggregate classification (germline): Uncertain significance. Review status: criteria provided, multiple submitters, no conflicts (2 of 4 stars). 2 submissions from 2 submitters: Uncertain significance (2). Last evaluated 2024-02-29.

Conditions:
Cardiovascular phenotype. Identifiers: MedGen CN230736.

Allele frequency attached by ClinVar (database versions not stated): gnomAD exomes below 0.00001.
gnomAD v4.1: 1 of 1,614,044 alleles (0.000062%); highest among the groups gnomAD compares: African/African-American, 0.0013%; no homozygotes.

Submissions (2):

Blueprint Genetics
Classification: Uncertain significance. Last evaluated: 2024-02-29. Review status: criteria provided, single submitter. Criteria: ACMG Guidelines, 2015. Collection method: clinical testing. Allele origin: germline.

Ambry Genetics
Classification: Uncertain significance for Cardiovascular phenotype. Last evaluated: 2021-10-13. Review status: criteria provided, single submitter. Criteria: Ambry Variant Classification Scheme 2023. Collection method: clinical testing. Allele origin: germline.
Comment: The p.L314S variant (also known as c.941T>C), located in coding exon 10 of the CACNB2 gene, results from a T to C substitution at nucleotide position 941. The leucine at codon 314 is replaced by serine, an amino acid with dissimilar properties. This amino acid position is conserved. In addition, this alteration is predicted to be deleterious by in silico analysis. Since supporting evidence is limited at this time, the clinical significance of this alteration remains unclear.

NM_201596.3(CACNB2):c.1103T>C (p.Leu368Ser)

Gene: CACNB2 (calcium voltage-gated channel auxiliary subunit beta 2; plus strand). Cytogenetic location: 10p12.31.
Variant type: single nucleotide variant.
Coding change: c.1103T>C on transcript NM_201596.3 (MANE Select); coding-DNA position 1103, T replaced by C.
Protein change: p.Leu368Ser; replaces leucine 368 with serine.
Molecular consequence: missense variant.
Genome position (GRCh38, 1-based): chr10:18,534,124, T>C. VCF-style: chr10-18534124-T-C. GRCh37 (hg19) VCF-style: chr10-18823053-T-C.
Other names: c.938T>C, p.Leu313Ser (NM_000724.4); c.905T>C, p.Leu302Ser (NM_001167945.2); c.824T>C, p.Leu275Ser (NM_001330060.2); c.845T>C, p.Leu282Ser (NM_001410882.1); c.959T>C, p.Leu320Ser (NM_201570.3); c.1019T>C, p.Leu340Ser (NM_201571.4); c.947T>C, p.Leu316Ser (NM_201572.4); c.941T>C, p.Leu314Ser (NM_201590.3); and 2 more; short protein forms L275S, L302S, L320S, L313S, L314S, L368S, L282S, L330S.
Identifiers: ClinVar variation 1766903 (VCV001766903.3), dbSNP rs1554840820, ClinGen allele CA376067714.